The following is an entry in ClinVar:

ClinVar aggregate classification (germline): Uncertain significance (1 of 4 stars; one submission).

gnomAD v4.1: 3 of 1,613,808 alleles (0.00019%); highest among the groups gnomAD compares: Non-Finnish European, 0.00025%; no homozygotes.

Submission:

GeneDx
Classification: Uncertain significance. Last evaluated: 2024-09-10. Review status: criteria provided, single submitter. Criteria: GeneDx Variant Classification Process June 2021. Collection method: clinical testing. Allele origin: germline. Affected: yes.
Comment: Not observed at significant frequency in large population cohorts (gnomAD); In silico analysis indicates that this missense variant does not alter protein structure/function; Has not been previously published as pathogenic or benign to our knowledge

NM_138691.3(TMC1):c.460G>T (p.Ala154Ser)

Gene: TMC1 (transmembrane channel like 1; plus strand). Cytogenetic location: 9q21.13.
Variant type: single nucleotide variant.
Coding change: c.460G>T on transcript NM_138691.3 (MANE Select); coding-DNA position 460, G replaced by T.
Protein change: p.Ala154Ser; replaces alanine 154 with serine.
Molecular consequence: missense variant.
Genome position (GRCh38, 1-based): chr9:72,742,450, G>T. VCF-style: chr9-72742450-G-T. GRCh37 (hg19) VCF-style: chr9-75357366-G-T.
Other names: short protein forms A154S.
Identifiers: ClinVar variation 3767772 (VCV003767772.1).